The following is an entry in ClinVar:

ClinVar aggregate classification (germline): Uncertain significance. Review status: criteria provided, multiple submitters, no conflicts (2 of 4 stars). 2 submissions from 2 submitters: Uncertain significance (2). Last evaluated 2026-01-02.

Conditions:
Inborn genetic diseases. Identifiers: MedGen C0950123, MeSH D030342.
Tenorio syndrome (TNORS). Also called: OVERGROWTH, MACROCEPHALY, AND INTELLECTUAL DISABILITY SYNDROME. Identifiers: MedGen C4015710, MONDO:0014553, OMIM 616260.

Allele frequency attached by ClinVar (database versions not stated): ExAC 0.00009; gnomAD 0.00015; ESP Exome Variant Server 0.00015.
gnomAD v4.1: 310 of 1,599,538 alleles (0.019%); highest among the groups gnomAD compares: Non-Finnish European, 0.024%; no homozygotes.

Submissions (2):

Dasa
Classification: Uncertain significance for Tenorio syndrome. Last evaluated: 2026-01-02. Review status: criteria provided, single submitter. Criteria: DASA Assertion Criteria. Collection method: clinical testing. Allele origin: germline.
Comment: NM_017831.4(RNF125):c.659G>A (p.Arg220Gln) is a missense variant that results in the substitution of arginine with glutamine. This variant is rare in population databases. Computational prediction algorithms are consistent with a benign effect. The currently available literature and clinical evidence are not sufficient to establish a definitive association between this variant and the reported condition. Therefore, this variant is classified as a variant of uncertain significance.

Ambry Genetics
Classification: Uncertain significance for Inborn genetic diseases. Last evaluated: 2021-09-15. Review status: criteria provided, single submitter. Criteria: Ambry Variant Classification Scheme 2023. Collection method: clinical testing. Allele origin: germline.

NM_017831.4(RNF125):c.659G>A (p.Arg220Gln)

Gene: RNF125 (ring finger protein 125; plus strand). Cytogenetic location: 18q12.1.
Variant type: single nucleotide variant.
Coding change: c.659G>A on transcript NM_017831.4 (MANE Select); coding-DNA position 659, G replaced by A.
Protein change: p.Arg220Gln; replaces arginine 220 with glutamine.
Molecular consequence: missense variant.
Genome position (GRCh38, 1-based): chr18:32,068,344, G>A. VCF-style: chr18-32068344-G-A. GRCh37 (hg19) VCF-style: chr18-29648307-G-A.
Other names: short protein forms R220Q.
Identifiers: ClinVar variation 2349179 (VCV002349179.4), dbSNP rs147556999, ClinGen allele CA8930568.
Genomic context (GRCh38, chr18:32,068,344, plus strand): 5'-TTTCTTTATTGTAGGATTTTAATATAATTGAGGAAGCTCTTATCCGAAGAGTCTTAGACC[G>A]GTCACTTCTTGAATATGTGAATCACTCGAACACCACATAATTTTATTAAAACGAAGGGAA-3'
Protein context (NP_060301.2, residues 210-230): EEALIRRVLD[Arg220Gln]SLLEYVNHSN